The following is an entry in ClinVar:

NM_000574.5(CD55):c.140C>G (p.Pro47Arg)

Gene: CD55 (CD55 molecule (Cromer blood group); plus strand). Cytogenetic location: 1q32.2.
Variant type: single nucleotide variant.
Coding change: c.140C>G on transcript NM_000574.5 (MANE Select); coding-DNA position 140, C replaced by G.
Protein change: p.Pro47Arg; replaces proline 47 with arginine.
Molecular consequence: missense variant. On other transcripts: non-coding transcript variant (1).
Genome position (GRCh38, 1-based): chr1:207,322,421, C>G. VCF-style: chr1-207322421-C-G. GRCh37 (hg19) VCF-style: chr1-207495766-C-G.
Other names: c.140C>G, p.Pro47Arg (NM_001114752.3, NM_001300902.2, NM_001300903.2 and 1 more transcripts); short protein forms P47R.
Identifiers: ClinVar variation 2004049 (VCV002004049.4), dbSNP rs2526923464, ClinGen allele CA344515115.

ClinVar aggregate classification (germline): Uncertain significance (1 of 4 stars; one submission).

Submission:

Labcorp Genetics (formerly Invitae), Labcorp
Classification: Uncertain significance. Last evaluated: 2022-06-09. Review status: criteria provided, single submitter. Criteria: Invitae Variant Classification Sherloc (09022015). Collection method: clinical testing. Allele origin: germline.
Comment: In summary, the available evidence is currently insufficient to determine the role of this variant in disease. Therefore, it has been classified as a Variant of Uncertain Significance. Algorithms developed to predict the effect of missense changes on protein structure and function are either unavailable or do not agree on the potential impact of this missense change (SIFT: "Deleterious"; PolyPhen-2: "Probably Damaging"; Align-GVGD: "Class C0"). This variant has not been reported in the literature in individuals affected with CD55-related conditions. This variant is not present in population databases (gnomAD no frequency). This sequence change replaces proline, which is neutral and non-polar, with arginine, which is basic and polar, at codon 47 of the CD55 protein (p.Pro47Arg).